The following is an entry in ClinVar:

ClinVar aggregate classification (germline): Uncertain significance (1 of 4 stars; one submission).

gnomAD v4.1: 1 of 1,577,044 alleles (0.000063%); highest among the groups gnomAD compares: Non-Finnish European, 0.000086%; no homozygotes.

Submission:

Ambry Genetics
Classification: Uncertain significance. Last evaluated: 2025-08-01. Review status: criteria provided, single submitter. Criteria: Ambry Variant Classification Scheme 2023. Collection method: clinical testing. Allele origin: germline.
Comment: The p.A703T variant (also known as c.2107G>A), located in coding exon 9 of the WNK2 gene, results from a G to A substitution at nucleotide position 2107. The alanine at codon 703 is replaced by threonine, an amino acid with similar properties. This amino acid position is conserved. In addition, this alteration is predicted to be tolerated by in silico analysis. Based on the available evidence, the clinical significance of this variant remains unclear.

NM_006648.4(WNK2):c.2107G>A (p.Ala703Thr)

Gene: WNK2 (WNK lysine deficient protein kinase 2; plus strand). Cytogenetic location: 9q22.31.
Variant type: single nucleotide variant.
Coding change: c.2107G>A on transcript NM_006648.4 (MANE Select); coding-DNA position 2107, G replaced by A.
Protein change: p.Ala703Thr; replaces alanine 703 with threonine.
Molecular consequence: missense variant.
Genome position (GRCh38, 1-based): chr9:93,256,371, G>A. VCF-style: chr9-93256371-G-A. GRCh37 (hg19) VCF-style: chr9-96018653-G-A.
Other names: c.2107G>A, p.Ala703Thr (NM_001282394.3); short protein forms A703T.
Identifiers: ClinVar variation 4201692 (VCV004201692.1).